The following is an entry in ClinVar:

NM_003476.5(CSRP3):c.178G>A (p.Val60Met)

Gene: CSRP3 (cysteine and glycine rich protein 3; minus strand). Cytogenetic location: 11p15.1.
Variant type: single nucleotide variant.
Coding change: c.178G>A on transcript NM_003476.5 (MANE Select); coding-DNA position 178, G replaced by A.
Protein change: p.Val60Met; replaces valine 60 with methionine.
Molecular consequence: missense variant. On other transcripts: intron variant (1).
Genome position (GRCh38, 1-based): chr11:19,188,239, C>T on the plus strand (G>A on the coding strand, the complement: CSRP3 is on the minus strand). VCF-style: chr11-19188239-C-T. GRCh37 (hg19) VCF-style: chr11-19209786-C-T.
Other names: c.113-1891G>A (NM_001369404.1); short protein forms V60M.
Identifiers: ClinVar variation 4235312 (VCV004235312.1).

ClinVar aggregate classification (germline): Uncertain significance (1 of 4 stars; one submission).

Conditions:
Cardiovascular phenotype. Identifiers: MedGen CN230736.

Submission:

Ambry Genetics
Classification: Uncertain significance for Cardiovascular phenotype. Last evaluated: 2025-08-28. Review status: criteria provided, single submitter. Criteria: Ambry Variant Classification Scheme 2023. Collection method: clinical testing. Allele origin: germline.
Comment: The p.V60M variant (also known as c.178G>A), located in coding exon 2 of the CSRP3 gene, results from a G to A substitution at nucleotide position 178. The valine at codon 60 is replaced by methionine, an amino acid with highly similar properties. This amino acid position is conserved. In addition, this alteration is predicted to be tolerated by in silico analysis. Based on the available evidence, the clinical significance of this variant remains unclear.